The following is an entry in ClinVar:

NM_001365276.2(TNXB):c.9940G>A (p.Ala3314Thr)

Gene: TNXB (tenascin XB; minus strand). Cytogenetic location: 6p21.33.
Variant type: single nucleotide variant.
Coding change: c.9940G>A on transcript NM_001365276.2 (MANE Select); coding-DNA position 9940, G replaced by A.
Protein change: p.Ala3314Thr; replaces alanine 3314 with threonine.
Molecular consequence: missense variant.
Genome position (GRCh38, 1-based): chr6:32,048,468, C>T on the plus strand (G>A on the coding strand, the complement: TNXB is on the minus strand). VCF-style: chr6-32048468-C-T. GRCh37 (hg19) VCF-style: chr6-32016245-C-T.
Other names: c.9934G>A, p.Ala3312Thr (NM_019105.8); short protein forms A3312T, A3314T.
Identifiers: ClinVar variation 1768654 (VCV001768654.4), dbSNP rs781006617, ClinGen allele CA363533863.

ClinVar aggregate classification (germline): Uncertain significance. Review status: criteria provided, multiple submitters, no conflicts (2 of 4 stars). 2 submissions from 2 submitters: Uncertain significance (2). Last evaluated 2026-09-14.

Conditions:
Cardiovascular phenotype. Identifiers: MedGen CN230736.

Allele frequency attached by ClinVar (database versions not stated): gnomAD exomes below 0.00001; gnomAD 0.00001; TOPMed 0.00001.
gnomAD v4.1: 2 of 1,599,502 alleles (0.00013%); highest among the groups gnomAD compares: Non-Finnish European, 0.00017%; no homozygotes.

Submissions (2):

GeneDx
Classification: Uncertain significance. Last evaluated: 2026-09-14. Review status: criteria provided, single submitter. Criteria: GeneDx Variant Classification Process June 2021. Collection method: clinical testing. Allele origin: germline.
Comment: Has not been previously published as pathogenic or benign to our knowledge; Not observed at significant frequency in large population cohorts (gnomAD); In silico analysis suggests that this missense variant does not alter protein structure/function

Ambry Genetics
Classification: Uncertain significance for Cardiovascular phenotype. Last evaluated: 2022-01-04. Review status: criteria provided, single submitter. Criteria: Ambry Variant Classification Scheme 2023. Collection method: clinical testing. Allele origin: germline.
Comment: The p.A3312T variant (also known as c.9934G>A), located in coding exon 28 of the TNXB gene, results from a G to A substitution at nucleotide position 9934. The alanine at codon 3312 is replaced by threonine, an amino acid with similar properties. This amino acid position is conserved. In addition, this alteration is predicted to be tolerated by in silico analysis. Since supporting evidence is limited at this time, the clinical significance of this alteration remains unclear.